The following is an entry in ClinVar:

ClinVar aggregate classification (germline): Uncertain significance. Review status: criteria provided, multiple submitters, no conflicts (2 of 4 stars). 3 submissions from 3 submitters: Uncertain significance (3). Last evaluated 2025-04-08.

Conditions:
Neuroblastoma, susceptibility to, 3. Also called: ALK-Related Neuroblastic Tumor Susceptibility. Identifiers: Orphanet 635, MedGen C2751681, MONDO:0013083, OMIM 613014.
Hereditary cancer-predisposing syndrome. Also called: Hereditary neoplastic syndrome; Neoplastic Syndromes, Hereditary; Hereditary Cancer Syndrome; Tumor predisposition. Identifiers: Orphanet 140162, MedGen C0027672, MeSH D009386, MONDO:0015356.

Allele frequency attached by ClinVar (database versions not stated): gnomAD 0.00002 and 0.00001; TOPMed 0.00002; ESP Exome Variant Server 0.00008; gnomAD exomes 0.00001; ExAC 0.00002.
gnomAD v4.1: 15 of 1,613,850 alleles (0.00093%); highest among the groups gnomAD compares: African/African-American, 0.0013%; no homozygotes.

Submissions (3):

Labcorp Genetics (formerly Invitae), Labcorp
Classification: Uncertain significance for Neuroblastoma, susceptibility to, 3. Last evaluated: 2025-04-08. Review status: criteria provided, single submitter. Criteria: Invitae Variant Classification Sherloc (09022015). Collection method: clinical testing. Allele origin: germline.
Comment: This sequence change replaces glycine, which is neutral and non-polar, with arginine, which is basic and polar, at codon 692 of the ALK protein (p.Gly692Arg). This variant is present in population databases (rs373846404, gnomAD 0.007%). This variant has not been reported in the literature in individuals affected with ALK-related conditions. ClinVar contains an entry for this variant (Variation ID: 470779). An algorithm developed to predict the effect of missense changes on protein structure and function (PolyPhen-2) suggests that this variant is likely to be disruptive. In summary, the available evidence is currently insufficient to determine the role of this variant in disease. Therefore, it has been classified as a Variant of Uncertain Significance.

Ambry Genetics
Classification: Uncertain significance for Hereditary cancer-predisposing syndrome. Last evaluated: 2025-03-29. Review status: criteria provided, single submitter. Criteria: Ambry Variant Classification Scheme 2023. Collection method: clinical testing. Allele origin: germline.
Comment: The p.G692R variant (also known as c.2074G>A), located in coding exon 12 of the ALK gene, results from a G to A substitution at nucleotide position 2074. The glycine at codon 692 is replaced by arginine, an amino acid with dissimilar properties. This amino acid position is conserved. In addition, this alteration is predicted to be deleterious by in silico analysis. Based on the available evidence, the clinical significance of this variant remains unclear.

Blueprint Genetics
Classification: Uncertain significance. Last evaluated: 2023-05-17. Review status: criteria provided, single submitter. Criteria: ACMG Guidelines, 2015. Collection method: clinical testing. Allele origin: germline.

NM_004304.5(ALK):c.2074G>A (p.Gly692Arg)

Gene: ALK (ALK receptor tyrosine kinase; minus strand). Cytogenetic location: 2p23.2.
Variant type: single nucleotide variant.
Coding change: c.2074G>A on transcript NM_004304.5 (MANE Select); coding-DNA position 2074, G replaced by A.
Protein change: p.Gly692Arg; replaces glycine 692 with arginine.
Molecular consequence: missense variant.
Genome position (GRCh38, 1-based): chr2:29,251,235, C>T on the plus strand (G>A on the coding strand, the complement: ALK is on the minus strand). VCF-style: chr2-29251235-C-T. GRCh37 (hg19) VCF-style: chr2-29474101-C-T.
Other names: short protein forms G692R.
Identifiers: ClinVar variation 470779 (VCV000470779.8), dbSNP rs373846404, ClinGen allele CA1594440.